The following is an entry in ClinVar:

NM_001220.5(CAMK2B):c.1241A>G (p.Asp414Gly)

Gene: CAMK2B (calcium/calmodulin dependent protein kinase II beta; minus strand). Cytogenetic location: 7p13.
Variant type: single nucleotide variant.
Coding change: c.1241A>G on transcript NM_001220.5 (MANE Select); coding-DNA position 1241, A replaced by G.
Protein change: p.Asp414Gly; replaces aspartic acid 414 with glycine.
Molecular consequence: missense variant. On other transcripts: intron variant (8).
Genome position (GRCh38, 1-based): chr7:44,229,486, T>C on the plus strand (A>G on the coding strand, the complement: CAMK2B is on the minus strand). VCF-style: chr7-44229486-T-C. GRCh37 (hg19) VCF-style: chr7-44269085-T-C.
Other names: c.947-8585A>G (NM_172084.3); c.1150+1520A>G (NM_172080.3); c.1036+1520A>G (NM_172083.3); c.1108+1520A>G (NM_172081.3); c.1153+1520A>G (NM_172079.3, NM_172082.3); c.1225+1520A>G (NM_001293170.2, NM_172078.3); short protein forms D414G.
Identifiers: ClinVar variation 2868007 (VCV002868007.3), dbSNP rs2128914704, ClinGen allele CA367374785.
Genomic context (GRCh38, chr7:44,229,486, plus strand): 5'-CAGGGCAGGGGCCCCTCGGCTTCTGGGGCTCCCGAGCCCCTCCTCACTGAGCTCAGGATG[T>C]CGGGGACCCTGGGGGCTGAGGCGGAACAGGTGAGGCAGGCAGGTGGGTGGTGCGCCCGCA-3'
Protein context (NP_001211.3, residues 404-424): DEDAKAPRVP[Asp414Gly]ILSSVRRGSG

ClinVar aggregate classification (germline): Uncertain significance (1 of 4 stars; one submission).

Allele frequency attached by ClinVar (database versions not stated): gnomAD exomes below 0.00001.

Submission:

Labcorp Genetics (formerly Invitae), Labcorp
Classification: Uncertain significance. Last evaluated: 2023-09-06. Review status: criteria provided, single submitter. Criteria: Invitae Variant Classification Sherloc (09022015). Collection method: clinical testing. Allele origin: germline.
Comment: In summary, the available evidence is currently insufficient to determine the role of this variant in disease. Therefore, it has been classified as a Variant of Uncertain Significance. Algorithms developed to predict the effect of missense changes on protein structure and function output the following: SIFT: "Not Available"; PolyPhen-2: "Possibly Damaging"; Align-GVGD: "Not Available". The glycine amino acid residue is found in multiple mammalian species, which suggests that this missense change does not adversely affect protein function. This variant has not been reported in the literature in individuals affected with CAMK2B-related conditions. This variant is not present in population databases (gnomAD no frequency). This sequence change replaces aspartic acid, which is acidic and polar, with glycine, which is neutral and non-polar, at codon 414 of the CAMK2B protein (p.Asp414Gly).